The following is an entry in ClinVar:

NM_001377334.1(PIK3C2B):c.3122G>C (p.Ser1041Thr)

Gene: PIK3C2B (phosphatidylinositol-4-phosphate 3-kinase catalytic subunit type 2 beta; minus strand). Cytogenetic location: 1q32.1.
Variant type: single nucleotide variant.
Coding change: c.3122G>C on transcript NM_001377334.1 (MANE Select); coding-DNA position 3122, G replaced by C.
Protein change: p.Ser1041Thr; replaces serine 1041 with threonine.
Molecular consequence: missense variant.
Genome position (GRCh38, 1-based): chr1:204,442,560, C>G on the plus strand (G>C on the coding strand, the complement: PIK3C2B is on the minus strand). VCF-style: chr1-204442560-C-G. GRCh37 (hg19) VCF-style: chr1-204411688-C-G.
Other names: c.3038G>C, p.Ser1013Thr (NM_001377335.1); c.3122G>C, p.Ser1041Thr (NM_002646.4); short protein forms S1013T, S1041T.
Identifiers: ClinVar variation 3050849 (VCV003050849.2), dbSNP rs61763421, ClinGen allele CA1347500.

ClinVar aggregate classification (germline): Likely benign (0 of 4 stars; one submission).

Conditions:
PIK3C2B-related disorder. Also called: PIK3C2B-related condition.

Allele frequency attached by ClinVar (database versions not stated): 1000 Genomes Project 0.00020; 1000 Genomes Project 30x 0.00078; ExAC 0.00145; TOPMed 0.00175; gnomAD 0.00176; ESP Exome Variant Server 0.00195; gnomAD exomes 0.00266.

Submission:

PreventionGenetics, part of Exact Sciences
Classification: Likely benign for PIK3C2B-related condition. Last evaluated: 2022-04-08. Review status: no assertion criteria provided. Collection method: clinical testing. Allele origin: germline.
Comment: This variant is classified as likely benign based on ACMG/AMP sequence variant interpretation guidelines (Richards et al. 2015 PMID: 25741868, with internal and published modifications).